The following is an entry in ClinVar:

NM_001384474.1(LOXHD1):c.1214G>T (p.Gly405Val)

Gene: LOXHD1 (lipoxygenase homology PLAT domains 1; minus strand). Cytogenetic location: 18q21.1.
Variant type: single nucleotide variant.
Coding change: c.1214G>T on transcript NM_001384474.1 (MANE Select); coding-DNA position 1214, G replaced by T.
Protein change: p.Gly405Val; replaces glycine 405 with valine.
Molecular consequence: missense variant.
Genome position (GRCh38, 1-based): chr18:46,594,387, C>A on the plus strand (G>T on the coding strand, the complement: LOXHD1 is on the minus strand). VCF-style: chr18-46594387-C-A. GRCh37 (hg19) VCF-style: chr18-44174350-C-A.
Other names: c.1214G>T, p.Gly405Val (NM_144612.7); short protein forms G405V.
Identifiers: ClinVar variation 1515702 (VCV001515702.3), dbSNP rs1423634836, ClinGen allele CA402381041.

ClinVar aggregate classification (germline): Uncertain significance (1 of 4 stars; one submission).

Allele frequency attached by ClinVar (database versions not stated): gnomAD exomes below 0.00001 and 0.00001; gnomAD 0.00001.
gnomAD v4.1: 6 of 1,551,556 alleles (0.00039%); highest among the groups gnomAD compares: South Asian, 0.0048%; no homozygotes.

Submission:

Labcorp Genetics (formerly Invitae), Labcorp
Classification: Uncertain significance. Last evaluated: 2021-11-22. Review status: criteria provided, single submitter. Criteria: Invitae Variant Classification Sherloc (09022015). Collection method: clinical testing. Allele origin: germline.
Comment: This sequence change replaces glycine, which is neutral and non-polar, with valine, which is neutral and non-polar, at codon 405 of the LOXHD1 protein (p.Gly405Val). This variant is present in population databases (no rsID available, gnomAD 0.004%). This variant has not been reported in the literature in individuals affected with LOXHD1-related conditions. Algorithms developed to predict the effect of missense changes on protein structure and function are either unavailable or do not agree on the potential impact of this missense change (SIFT: "Deleterious"; PolyPhen-2: "Benign"; Align-GVGD: "Class C0"). In summary, the available evidence is currently insufficient to determine the role of this variant in disease. Therefore, it has been classified as a Variant of Uncertain Significance.